The following is an entry in ClinVar:

NM_021800.3(DNAJC12):c.297+21G>A

Gene: DNAJC12 (DnaJ heat shock protein family (Hsp40) member C12; minus strand). Cytogenetic location: 10q21.3.
Variant type: single nucleotide variant.
Coding change: c.297+21G>A on transcript NM_021800.3 (MANE Select); 21 bases into the intron after coding-DNA position 297, G replaced by A.
Molecular consequence: intron variant. On other transcripts: synonymous variant (1).
Genome position (GRCh38, 1-based): chr10:67,811,503, C>T on the plus strand (G>A on the coding strand, the complement: DNAJC12 is on the minus strand). VCF-style: chr10-67811503-C-T. GRCh37 (hg19) VCF-style: chr10-69571261-C-T.
Other names: c.318G>A, p.Ala106= (NM_201262.2); c.318G>A (NM_201262.1).
Identifiers: ClinVar variation 1879132 (VCV001879132.31), dbSNP rs367986394, ClinGen allele CA5520847.

ClinVar aggregate classification (germline): Likely benign. Review status: criteria provided, multiple submitters, no conflicts (2 of 4 stars). 3 submissions from 3 submitters: Likely benign (2). 1 of the submissions does not count toward it. Last evaluated 2026-09-01.

Conditions:
DNAJC12-related disorder. Also called: DNAJC12-related condition.

Allele frequency attached by ClinVar (database versions not stated): ESP Exome Variant Server 0.00008; gnomAD exomes 0.00018; TOPMed 0.00019; gnomAD 0.00021; ExAC 0.00032.
gnomAD v4.1: 287 of 1,613,598 alleles (0.018%); highest among the groups gnomAD compares: Middle Eastern, 0.066%; no homozygotes.

Submissions (3):

CeGaT Center for Human Genetics Tuebingen
Classification: Likely benign. Last evaluated: 2026-09-01. Review status: criteria provided, single submitter. Criteria: CeGaT Center For Human Genetics Tuebingen Variant Classification Criteria Version 2. Collection method: clinical testing. Allele origin: germline. Affected: yes. Observed: 3 variant alleles.
Comment: DNAJC12: BP4, BP7

Blueprint Genetics
Classification: Likely benign. Last evaluated: 2024-11-25. Review status: criteria provided, single submitter. Criteria: ACMG Guidelines, 2015. Collection method: clinical testing. Allele origin: germline.

PreventionGenetics, part of Exact Sciences
Classification: Likely benign for DNAJC12-related condition. Last evaluated: 2019-02-28. Review status: no assertion criteria provided. Collection method: clinical testing. Allele origin: germline. Not counted in ClinVar's aggregate classification.
Comment: This variant is classified as likely benign based on ACMG/AMP sequence variant interpretation guidelines (Richards et al. 2015 PMID: 25741868, with internal and published modifications).